The following is an entry in ClinVar:

ClinVar aggregate classification (germline): Pathogenic/Likely pathogenic. Review status: criteria provided, multiple submitters, no conflicts (2 of 4 stars). 2 submissions from 2 submitters: Pathogenic (1); Likely pathogenic (1). Last evaluated 2025-10-02.

Conditions:
Cardiomyopathy, familial hypertrophic 27. Identifiers: MedGen C4748014, MONDO:0054838, OMIM 618052.

Submissions (2):

Labcorp Genetics (formerly Invitae), Labcorp
Classification: Pathogenic. Last evaluated: 2025-10-02. Review status: criteria provided, single submitter. Criteria: Invitae Variant Classification Sherloc (09022015). Collection method: clinical testing. Allele origin: germline.
Comment: This sequence change creates a premature translational stop signal (p.Gln1092*) in the ALPK3 gene. It is expected to result in an absent or disrupted protein product. Loss-of-function variants in ALPK3 are known to be pathogenic (PMID: 21441111, 26846950, 27106955, 34263907). This variant is not present in population databases (gnomAD no frequency). This premature translational stop signal has been observed in individual(s) with clinical features of hypertrophic cardiomyopathy (PMID: 30847666). ClinVar contains an entry for this variant (Variation ID: 1929460). For these reasons, this variant has been classified as Pathogenic.

Clinical Genomics Laboratory, Stanford Medicine
Classification: Likely pathogenic for Cardiomyopathy, familial hypertrophic 27. Last evaluated: 2023-05-01. Review status: criteria provided, single submitter. Criteria: ACMG Guidelines, 2015. Collection method: clinical testing. Allele origin: germline. Inheritance: Autosomal recessive inheritance. Observed: 1 variant allele, 1 heterozygote.
Comment: The p.Gln890* variant in the ALPK3 gene has not been previously reported in association with disease. This variant was absent from large population databases, including the Genome Aggregation Database. This variant is present in ClinVar (Variation ID: 1929460). This variant leads to a premature stop codon in exon 6 of 14 coding exons, and is therefore predicted to undergo nonsense-mediated decay resulting in a truncated or absent protein. Heterozygous loss of function is an established mechanism of disease for the ALPK3 gene. These data were assessed using the ACMG/AMP variant interpretation guidelines. In summary, there is sufficient evidence to classify the p.Gln890* variant as likely pathogenic for hypertrophic cardiomyopathy in an autosomal recessive manner based on the information above. [ACMG evidence codes used: PVS1; PM2]

Literature cited by the submitters: PubMed 21441111 (cited by Labcorp Genetics (formerly Invitae), Labcorp); PubMed 26846950 (cited by Labcorp Genetics (formerly Invitae), Labcorp); PubMed 27106955 (cited by Labcorp Genetics (formerly Invitae), Labcorp); PubMed 34263907 (cited by Labcorp Genetics (formerly Invitae), Labcorp); PubMed 30847666 (cited by Labcorp Genetics (formerly Invitae), Labcorp).

NM_020778.5(ALPK3):c.2668C>T (p.Gln890Ter)

Gene: ALPK3 (alpha kinase 3; plus strand). Cytogenetic location: 15q25.3.
Variant type: single nucleotide variant.
Coding change: c.2668C>T on transcript NM_020778.5 (MANE Select); coding-DNA position 2668, C replaced by T.
Protein change: p.Gln890Ter; replaces glutamine 890 with a stop codon.
Molecular consequence: nonsense.
Genome position (GRCh38, 1-based): chr15:84,857,406, C>T. VCF-style: chr15-84857406-C-T. GRCh37 (hg19) VCF-style: chr15-85400637-C-T.
Other names: short protein forms Q890*.
Identifiers: ClinVar variation 1929460 (VCV001929460.6), dbSNP rs2505720575, ClinGen allele CA393357965.